The following is an entry in ClinVar:

ClinVar aggregate classification (germline): Conflicting classifications of pathogenicity. Review status: criteria provided, conflicting classifications (1 of 4 stars). 3 submissions from 3 submitters: Uncertain significance (2); Likely benign (1). Last evaluated 2024-07-10.

Conditions:
Inborn genetic diseases. Identifiers: MedGen C0950123, MeSH D030342.
Aortic valve disease 2 (AOVD2). Identifiers: MedGen C3542024, MONDO:0013902, OMIM 614823.

Allele frequency attached by ClinVar (database versions not stated): gnomAD exomes 0.00001 and 0.00002; TOPMed 0.00001.
gnomAD v4.1: 7 of 1,576,862 alleles (0.00044%); highest among the groups gnomAD compares: East Asian, 0.016%; no homozygotes.

Submissions (3):

Blueprint Genetics
Classification: Likely benign. Last evaluated: 2024-07-10. Review status: criteria provided, single submitter. Criteria: ACMG Guidelines, 2015. Collection method: clinical testing. Allele origin: germline.

Labcorp Genetics (formerly Invitae), Labcorp
Classification: Uncertain significance for Aortic valve disease 2. Last evaluated: 2024-02-09. Review status: criteria provided, single submitter. Criteria: Invitae Variant Classification Sherloc (09022015). Collection method: clinical testing. Allele origin: germline.
Comment: This sequence change replaces proline, which is neutral and non-polar, with serine, which is neutral and polar, at codon 323 of the SMAD6 protein (p.Pro323Ser). This variant is present in population databases (no rsID available, gnomAD 0.03%). This variant has not been reported in the literature in individuals affected with SMAD6-related conditions. ClinVar contains an entry for this variant (Variation ID: 1399783). Advanced modeling of protein sequence and biophysical properties (such as structural, functional, and spatial information, amino acid conservation, physicochemical variation, residue mobility, and thermodynamic stability) performed at Invitae indicates that this missense variant is not expected to disrupt SMAD6 protein function with a negative predictive value of 80%. In summary, the available evidence is currently insufficient to determine the role of this variant in disease. Therefore, it has been classified as a Variant of Uncertain Significance.

Ambry Genetics
Classification: Uncertain significance for Inborn genetic diseases. Last evaluated: 2021-12-17. Review status: criteria provided, single submitter. Criteria: Ambry Variant Classification Scheme 2023. Collection method: clinical testing. Allele origin: germline.

NM_005585.5(SMAD6):c.967C>T (p.Pro323Ser)

Gene: SMAD6 (SMAD family member 6; plus strand). Cytogenetic location: 15q22.31.
Variant type: single nucleotide variant.
Coding change: c.967C>T on transcript NM_005585.5 (MANE Select); coding-DNA position 967, C replaced by T.
Protein change: p.Pro323Ser; replaces proline 323 with serine.
Molecular consequence: missense variant. On other transcripts: non-coding transcript variant (1).
Genome position (GRCh38, 1-based): chr15:66,781,011, C>T. VCF-style: chr15-66781011-C-T. GRCh37 (hg19) VCF-style: chr15-67073349-C-T.
Other names: c.967C>T (NM_005585.4); short protein forms P323S.
Identifiers: ClinVar variation 1399783 (VCV001399783.8), dbSNP rs1292983568, ClinGen allele CA393201575.
Genomic context (GRCh38, chr15:66,781,011, plus strand): 5'-CCTCCCCACCCAGAATAACGCGGCGGTCCCTGTGCTTGTCCCGCAGACGCCAGCATGTCT[C>T]CGGACGCCACCAAGCCGAGCCACTGGTGCAGCGTGGCGTACTGGGAGCACCGGACGCGCG-3'
Protein context (NP_005576.3, residues 313-333): PGEFSDASMS[Pro323Ser]DATKPSHWCS